The following is an entry in ClinVar:

ClinVar aggregate classification (germline): Benign. Review status: criteria provided, multiple submitters, no conflicts (2 of 4 stars). 7 submissions from 7 submitters: Benign (7). Last evaluated 2026-02-03.

Conditions:
Emery-Dreifuss muscular dystrophy 5, autosomal dominant (EDMD5). Also called: EMERY-DREIFUSS MUSCULAR DYSTROPHY 5. Identifiers: Orphanet 261, MedGen C2751805, MONDO:0013072, OMIM 612999.

Allele frequency attached by ClinVar (database versions not stated): 1000 Genomes Project 30x 0.67286; 1000 Genomes Project 0.68131; TOPMed 0.71807; gnomAD 0.72882 and 0.73405; ESP Exome Variant Server 0.73999; ExAC 0.80763; gnomAD exomes 0.81179 and 0.85273.
gnomAD v4.1: 1,355,156 of 1,612,456 alleles (84%); highest among the groups gnomAD compares: Non-Finnish European, 88%; 577,480 homozygotes.

Submissions (7):

Labcorp Genetics (formerly Invitae), Labcorp
Classification: Benign for Emery-Dreifuss muscular dystrophy 5, autosomal dominant. Last evaluated: 2026-02-03. Review status: criteria provided, single submitter. Criteria: Invitae Variant Classification Sherloc (09022015). Collection method: clinical testing. Allele origin: germline.

Genome-Nilou Lab
Classification: Benign for Emery-Dreifuss muscular dystrophy 5, autosomal dominant. Last evaluated: 2021-07-15. Review status: criteria provided, single submitter. Criteria: ACMG Guidelines, 2015. Collection method: clinical testing. Allele origin: germline. Affected: no.

Athena Diagnostics
Classification: Benign. Last evaluated: 2018-12-14. Review status: criteria provided, single submitter. Criteria: Athena Diagnostics Criteria. Collection method: clinical testing. Allele origin: germline.

GeneDx
Classification: Benign. Last evaluated: 2018-07-09. Review status: criteria provided, single submitter. Criteria: GeneDx Variant Classification Process June 2021. Collection method: clinical testing. Allele origin: germline. Affected: yes.

Illumina Laboratory Services, Illumina
Classification: Benign for Emery-Dreifuss muscular dystrophy 5, autosomal dominant. Last evaluated: 2018-01-13. Review status: criteria provided, single submitter. Criteria: ICSL Variant Classification Criteria 13 December 2019. Collection method: clinical testing. Allele origin: germline.
Comment: This variant was observed in the ICSL laboratory as part of a predisposition screen in an ostensibly healthy population. It had not been previously curated by ICSL or reported in the Human Gene Mutation Database (HGMD: prior to June 1st, 2018), and was therefore a candidate for classification through an automated scoring system. Utilizing variant allele frequency, disease prevalence and penetrance estimates, and inheritance mode, an automated score was calculated to assess if this variant is too frequent to cause the disease. Based on the score and internal cut-off values, a variant classified as benign is not then subjected to further curation. The score for this variant resulted in a classification of benign for this disease.

Genetic Services Laboratory, University of Chicago
Classification: Benign for AllHighlyPenetrant. Last evaluated: 2013-08-15. Review status: criteria provided, single submitter. Criteria: ACMG Guidelines, 2007. Collection method: clinical testing. Allele origin: germline. Inheritance: Autosomal dominant inheritance.

Breakthrough Genomics
Classification: Benign. Review status: criteria provided, single submitter. Criteria: ACMG Guidelines, 2015. Collection method: not provided. Allele origin: germline. Inheritance: Autosomal dominant inheritance. Affected: yes.

NM_182914.3(SYNE2):c.9757G>C (p.Asp3253His)

Gene: SYNE2 (spectrin repeat containing nuclear envelope protein 2; plus strand). Cytogenetic location: 14q23.2.
Variant type: single nucleotide variant.
Coding change: c.9757G>C on transcript NM_182914.3 (MANE Select); coding-DNA position 9757, G replaced by C.
Protein change: p.Asp3253His; replaces aspartic acid 3253 with histidine.
Molecular consequence: missense variant.
Genome position (GRCh38, 1-based): chr14:64,055,956, G>C. VCF-style: chr14-64055956-G-C. GRCh37 (hg19) VCF-style: chr14-64522674-G-C.
Other names: c.9757G>C, p.Asp3253His (NM_015180.6); short protein forms D3253H.
Identifiers: ClinVar variation 130520 (VCV000130520.24), dbSNP rs8010911, ClinGen allele CA155624.